The following is an entry in ClinVar:

ClinVar aggregate classification (germline): Pathogenic (1 of 4 stars; one submission).

Conditions:
Primary ciliary dyskinesia. Also called: Ciliary dyskinesia. Identifiers: Orphanet 244, MedGen C0008780, MONDO:0016575, HP:0012265.

Submission:

Labcorp Genetics (formerly Invitae), Labcorp
Classification: Pathogenic for Primary ciliary dyskinesia. Last evaluated: 2023-10-20. Review status: criteria provided, single submitter. Criteria: Invitae Variant Classification Sherloc (09022015). Collection method: clinical testing. Allele origin: germline.
Comment: This sequence change creates a premature translational stop signal (p.Tyr4534*) in the DNAH5 gene. It is expected to result in an absent or disrupted protein product. Loss-of-function variants in DNAH5 are known to be pathogenic (PMID: 11788826, 16627867). This variant is not present in population databases (gnomAD no frequency). This variant has not been reported in the literature in individuals affected with DNAH5-related conditions. Algorithms developed to predict the effect of sequence changes on RNA splicing suggest that this variant may create or strengthen a splice site. For these reasons, this variant has been classified as Pathogenic.

Literature cited by the submitters: PubMed 11788826; PubMed 16627867.

NM_001369.3(DNAH5):c.13602T>A (p.Tyr4534Ter)

Gene: DNAH5 (dynein axonemal heavy chain 5; minus strand). Cytogenetic location: 5p15.2.
Variant type: single nucleotide variant.
Coding change: c.13602T>A on transcript NM_001369.3 (MANE Select); coding-DNA position 13602, T replaced by A.
Protein change: p.Tyr4534Ter; replaces tyrosine 4534 with a stop codon.
Molecular consequence: nonsense.
Genome position (GRCh38, 1-based): chr5:13,700,761, A>T on the plus strand (T>A on the coding strand, the complement: DNAH5 is on the minus strand). VCF-style: chr5-13700761-A-T. GRCh37 (hg19) VCF-style: chr5-13700870-A-T.
Other names: short protein forms Y4534*.
Identifiers: ClinVar variation 2701022 (VCV002701022.3), dbSNP rs1579806394, ClinGen allele CA359191524.
Genomic context (GRCh38, chr5:13,700,761, plus strand): 5'-TTCAATGAGTTTCATGTTCCTCTTGTCCCAGCCAGCACCTTCAAGATATAAGCCATAGAC[A>T]TAGACACCCTCTGTGGGAGGGGCAGAAATGTCGTCCTTCATCCATTTGGTGACTTCATTG-3'